The following is an entry in ClinVar:

NM_000264.5(PTCH1):c.2036C>T (p.Ala679Val)

Genes: PTCH1 (patched 1; minus strand), LOC100507346 (uncharacterized LOC100507346; plus strand). Cytogenetic location: 9q22.32.
Variant type: single nucleotide variant.
Coding change: c.2036C>T on transcript NM_000264.5 (MANE Select); coding-DNA position 2036, C replaced by T.
Protein change: p.Ala679Val; replaces alanine 679 with valine.
Molecular consequence: missense variant. On other transcripts: non-coding transcript variant (2).
Genome position (GRCh38, 1-based): chr9:95,468,965, G>A on the plus strand (C>T on the coding strand, the complement: PTCH1 is on the minus strand). VCF-style: chr9-95468965-G-A. GRCh37 (hg19) VCF-style: chr9-98231247-G-A.
Other names: c.1838C>T, p.Ala613Val (NM_001083602.3); c.2033C>T, p.Ala678Val (NM_001083603.3); c.1583C>T, p.Ala528Val (NM_001083604.3, NM_001083605.3, NM_001083606.3 and 1 more transcripts); c.1880C>T, p.Ala627Val (NM_001354918.2); short protein forms A528V, A678V, A679V, A613V, A627V.
Identifiers: ClinVar variation 2624551 (VCV002624551.5), dbSNP rs2118043684, ClinGen allele CA374115789.

ClinVar aggregate classification (germline): Uncertain significance. Review status: criteria provided, multiple submitters, no conflicts (2 of 4 stars). 2 submissions from 2 submitters: Uncertain significance (2). Last evaluated 2023-11-10.

Conditions:
Hereditary cancer-predisposing syndrome. Also called: Tumor predisposition; Neoplastic Syndromes, Hereditary; Hereditary Cancer Syndrome; Hereditary neoplastic syndrome. Identifiers: Orphanet 140162, MedGen C0027672, MeSH D009386, MONDO:0015356.
Gorlin syndrome. Also called: Nevoid Basal Cell Carcinoma Syndrome; Basal cell nevus syndrome. Identifiers: Orphanet 377, MedGen C0004779, MONDO:0007187.

Submissions (2):

Labcorp Genetics (formerly Invitae), Labcorp
Classification: Uncertain significance for Gorlin syndrome. Last evaluated: 2023-11-10. Review status: criteria provided, single submitter. Criteria: Invitae Variant Classification Sherloc (09022015). Collection method: clinical testing. Allele origin: germline.
Comment: This sequence change replaces alanine, which is neutral and non-polar, with valine, which is neutral and non-polar, at codon 679 of the PTCH1 protein (p.Ala679Val). This variant is not present in population databases (gnomAD no frequency). This variant has not been reported in the literature in individuals affected with PTCH1-related conditions. Advanced modeling of protein sequence and biophysical properties (such as structural, functional, and spatial information, amino acid conservation, physicochemical variation, residue mobility, and thermodynamic stability) performed at Invitae indicates that this missense variant is not expected to disrupt PTCH1 protein function with a negative predictive value of 95%. In summary, the available evidence is currently insufficient to determine the role of this variant in disease. Therefore, it has been classified as a Variant of Uncertain Significance.

Ambry Genetics
Classification: Uncertain significance for Hereditary cancer-predisposing syndrome. Last evaluated: 2023-08-30. Review status: criteria provided, single submitter. Criteria: Ambry Variant Classification Scheme 2023. Collection method: clinical testing. Allele origin: germline.
Comment: The p.A679V variant (also known as c.2036C>T), located in coding exon 14 of the PTCH1 gene, results from a C to T substitution at nucleotide position 2036. The alanine at codon 679 is replaced by valine, an amino acid with similar properties. This amino acid position is conserved. In addition, this alteration is predicted to be deleterious by in silico analysis. Since supporting evidence is limited at this time, the clinical significance of this alteration remains unclear.